The following is an entry in ClinVar:

ClinVar aggregate classification (germline): Uncertain significance (1 of 4 stars; one submission).

Allele frequency attached by ClinVar (database versions not stated): gnomAD exomes 0.00001; ExAC 0.00007.
gnomAD v4.1: 5 of 1,543,406 alleles (0.00032%); highest among the groups gnomAD compares: Non-Finnish European, 0.00035%; no homozygotes.

Submission:

Labcorp Genetics (formerly Invitae), Labcorp
Classification: Uncertain significance. Last evaluated: 2021-05-27. Review status: criteria provided, single submitter. Criteria: Invitae Variant Classification Sherloc (09022015). Collection method: clinical testing. Allele origin: germline.
Comment: In summary, the available evidence is currently insufficient to determine the role of this variant in disease. Therefore, it has been classified as a Variant of Uncertain Significance. Algorithms developed to predict the effect of missense changes on protein structure and function are either unavailable or do not agree on the potential impact of this missense change (SIFT: "Deleterious"; PolyPhen-2: "Possibly Damaging"; Align-GVGD: "Class C0"). This variant has not been reported in the literature in individuals with FCHO1-related conditions. The frequency data for this variant in the population databases is considered unreliable, as metrics indicate poor data quality at this position in the ExAC database. This sequence change replaces arginine with tryptophan at codon 516 of the FCHO1 protein (p.Arg516Trp). The arginine residue is weakly conserved and there is a moderate physicochemical difference between arginine and tryptophan.

NM_015122.3(FCHO1):c.1546C>T (p.Arg516Trp)

Gene: FCHO1 (FCH and mu domain containing endocytic adaptor 1; plus strand). Cytogenetic location: 19p13.11.
Variant type: single nucleotide variant.
Coding change: c.1546C>T on transcript NM_015122.3 (MANE Select); coding-DNA position 1546, C replaced by T.
Protein change: p.Arg516Trp; replaces arginine 516 with tryptophan.
Molecular consequence: missense variant. On other transcripts: non-coding transcript variant (14), intron variant (11).
Genome position (GRCh38, 1-based): chr19:17,778,803, C>T. VCF-style: chr19-17778803-C-T. GRCh37 (hg19) VCF-style: chr19-17889612-C-T.
Other names: c.1546C>T, p.Arg516Trp (NM_001161357.2, NM_001161358.2, NM_001384370.1 and 13 more transcripts); c.1396C>T, p.Arg466Trp (NM_001161359.2, NM_001384384.1, NM_001384385.1 and 1 more transcripts); c.1507C>T, p.Arg503Trp (NM_001384388.1, NM_001384389.1, NM_001384405.1); c.1471C>T, p.Arg491Trp (NM_001384390.1); c.1429C>T, p.Arg477Trp (NM_001384392.1, NM_001384393.1, NM_001384394.1 and 1 more transcripts); c.1351+575C>T (NM_001384396.1, NM_001384404.1, NM_001384398.1 and 5 more transcripts); c.1201+575C>T (NM_001384406.1); c.1058-2428C>T (NM_001384407.1); and 1 more; short protein forms R466W, R491W, R477W, R516W, R503W.
Identifiers: ClinVar variation 1439294 (VCV001439294.8), dbSNP rs760403013, ClinGen allele CA9300539.